The following is an entry in ClinVar:

NM_002830.4(PTPN4):c.879A>G (p.Ala293=)

Gene: PTPN4 (protein tyrosine phosphatase non-receptor type 4; plus strand). Cytogenetic location: 2q14.2.
Variant type: single nucleotide variant.
Coding change: c.879A>G on transcript NM_002830.4 (MANE Select); coding-DNA position 879, A replaced by G.
Protein change: p.Ala293=; no amino-acid change (alanine 293 retained).
Molecular consequence: synonymous variant.
Genome position (GRCh38, 1-based): chr2:119,920,119, A>G. VCF-style: chr2-119920119-A-G. GRCh37 (hg19) VCF-style: chr2-120677695-A-G.
Identifiers: ClinVar variation 2651309 (VCV002651309.24), dbSNP rs142256215, ClinGen allele CA1849436.

ClinVar aggregate classification (germline): Likely benign (1 of 4 stars; one submission).

Allele frequency attached by ClinVar (database versions not stated): gnomAD exomes 0.00014; ExAC 0.00037; 1000 Genomes Project 30x 0.00047; 1000 Genomes Project 0.00060; gnomAD 0.00147; TOPMed 0.00179; ESP Exome Variant Server 0.00192.
gnomAD v4.1: 446 of 1,613,336 alleles (0.028%); highest among the groups gnomAD compares: African/African-American, 0.49%; 2 homozygotes.

Submission:

CeGaT Center for Human Genetics Tuebingen
Classification: Likely benign. Last evaluated: 2022-03-01. Review status: criteria provided, single submitter. Criteria: CeGaT Center For Human Genetics Tuebingen Variant Classification Criteria Version 2. Collection method: clinical testing. Allele origin: germline. Affected: yes. Observed: 1 variant allele.
Comment: PTPN4: BP4, BP7